The following is an entry in ClinVar:

ClinVar aggregate classification (germline): Pathogenic (1 of 4 stars; one submission).

Conditions:
Kabuki syndrome. Also called: Kabuki make-up syndrome; NIIKAWA-KUROKI SYNDROME. Identifiers: Orphanet 2322, MedGen C0796004, MONDO:0016512.

Submission:

Labcorp Genetics (formerly Invitae), Labcorp
Classification: Pathogenic for Kabuki syndrome. Last evaluated: 2019-03-28. Review status: criteria provided, single submitter. Criteria: Invitae Variant Classification Sherloc (09022015). Collection method: clinical testing. Allele origin: germline.
Comment: This sequence change creates a premature translational stop signal (p.Pro583Leufs*347) in the KMT2D gene. It is expected to result in an absent or disrupted protein product. This variant is not present in population databases (ExAC no frequency). This variant has not been reported in the literature in individuals with KMT2D-related conditions. Loss-of-function variants in KMT2D are known to be pathogenic (PMID: 22126750). For these reasons, this variant has been classified as Pathogenic.

Literature cited by the submitters: PubMed 22126750.

NM_003482.4(KMT2D):c.1748del (p.Pro583fs)

Gene: KMT2D (lysine methyltransferase 2D; minus strand). Cytogenetic location: 12q13.12.
Variant type: Deletion.
Coding change: c.1748del on transcript NM_003482.4 (MANE Select); coding-DNA position 1748, one base deleted (C; older notation c.1748delC).
Protein change: p.Pro583fs; shifts the reading frame from proline 583.
Molecular consequence: frameshift variant.
Genome position (GRCh38, 1-based): chr12:49,051,935, G deleted on the plus strand (C on the coding strand, the reverse complement: KMT2D is on the minus strand); the first of 4 consecutive G bases (chr12:49,051,935-49,051,938); deleting any one gives the same sequence. VCF-style (leftmost placement, unchanged base first): chr12-49051934-AG-A. GRCh37 (hg19) VCF-style: chr12-49445717-AG-A.
Other names: short protein forms P583fs.
Identifiers: ClinVar variation 848635 (VCV000848635.3), dbSNP rs1938074857, ClinGen allele CA916083306.